The following is an entry in ClinVar:

ClinVar aggregate classification (germline): Benign. Review status: criteria provided, multiple submitters, no conflicts (2 of 4 stars). 23 submissions from 16 submitters: Benign (20). 3 of the submissions do not count toward it. Last evaluated 2026-02-04.

Conditions:
Dilated cardiomyopathy 1G (CMD1G). Identifiers: Orphanet 154, MedGen C1858763, MONDO:0011400, OMIM 604145.
Autosomal recessive limb-girdle muscular dystrophy type 2J (LGMDR10). Also called: MUSCULAR DYSTROPHY, LIMB-GIRDLE, AUTOSOMAL RECESSIVE 10; Limb-girdle muscular dystrophy, type 2J. Identifiers: Orphanet 140922, MedGen C1837342, MONDO:0012127, OMIM 608807.
Cardiovascular phenotype. Identifiers: MedGen CN230736.
Early-onset myopathy with fatal cardiomyopathy (CMYO5). Also called: CONGENITAL MYOPATHY 5 WITH CARDIOMYOPATHY; Salih Myopathy. Identifiers: Orphanet 289377, MedGen C2673677, MONDO:0012714, OMIM 611705. Disease mechanism: loss of function.
Myopathy, myofibrillar, 9, with early respiratory failure (MFM9). Also called: Myopathy, distal, with early respiratory failure, autosomal dominant; Hereditary myopathy with early respiratory failure; MYOPATHY, PROXIMAL, WITH EARLY RESPIRATORY MUSCLE INVOLVEMENT; EDSTROM MYOPATHY. Identifiers: Orphanet 178464, Orphanet 34521, MedGen C1863599, MONDO:0011362, OMIM 603689.
Tibial muscular dystrophy (TMD). Also called: Udd Distal Myopathy – Tibial Muscular Dystrophy; Tibial muscular dystrophy, tardive; UDD MYOPATHY. Identifiers: Orphanet 609, MedGen C1838244, MONDO:0010870, OMIM 600334.

Allele frequency attached by ClinVar (database versions not stated): gnomAD exomes 0.03913; 1000 Genomes Project 30x 0.04716; ESP Exome Variant Server 0.01639; gnomAD 0.02401 and 0.02585; 1000 Genomes Project 0.05072; TOPMed 0.02580; ExAC 0.05432.
gnomAD v4.1: 43,687 of 1,606,166 alleles (2.7%); highest among the groups gnomAD compares: East Asian, 19%; 1,353 homozygotes.

Submissions (23):

Labcorp Genetics (formerly Invitae), Labcorp
Classification: Benign for Dilated cardiomyopathy 1G; Autosomal recessive limb-girdle muscular dystrophy type 2J. Last evaluated: 2026-02-04. Review status: criteria provided, single submitter. Criteria: Invitae Variant Classification Sherloc (09022015). Collection method: clinical testing. Allele origin: germline.

Molecular Diagnostic Laboratory for Inherited Cardiovascular Disease, Montreal Heart Institute
Classification: Benign. Last evaluated: 2025-04-09. Review status: criteria provided, single submitter. Criteria: ACMG Guidelines, 2015. Collection method: clinical testing. Allele origin: germline. Affected: no.

Genome-Nilou Lab
Classification: Benign for Autosomal recessive limb-girdle muscular dystrophy type 2J. Last evaluated: 2021-09-10. Review status: criteria provided, single submitter. Criteria: ACMG Guidelines, 2015. Collection method: clinical testing. Allele origin: germline. Affected: no.

Genome-Nilou Lab
Classification: Benign for Myopathy, myofibrillar, 9, with early respiratory failure. Last evaluated: 2021-09-10. Review status: criteria provided, single submitter. Criteria: ACMG Guidelines, 2015. Collection method: clinical testing. Allele origin: germline. Affected: no.

Genome-Nilou Lab
Classification: Benign for Early-onset myopathy with fatal cardiomyopathy. Last evaluated: 2021-09-10. Review status: criteria provided, single submitter. Criteria: ACMG Guidelines, 2015. Collection method: clinical testing. Allele origin: germline. Affected: no.

Genome-Nilou Lab
Classification: Benign for Tibial muscular dystrophy. Last evaluated: 2021-09-10. Review status: criteria provided, single submitter. Criteria: ACMG Guidelines, 2015. Collection method: clinical testing. Allele origin: germline. Affected: no.

Women's Health and Genetics/Laboratory Corporation of America, LabCorp
Classification: Benign. Last evaluated: 2019-11-06. Review status: criteria provided, single submitter. Criteria: LabCorp Variant Classification Summary - May 2015. Collection method: clinical testing. Allele origin: germline.
Comment: Variant summary: TTN c.21975T>C alters a non-conserved nucleotide resulting in a synonymous change. 5/5 computational tools predict no significant impact on normal splicing. However, these predictions have yet to be confirmed by functional studies. The variant allele was found at a frequency of 0.039 in 234342 control chromosomes, predominantly at a frequency of 0.21 within the East Asian subpopulation in the gnomAD database, including 372 homozygotes. The observed variant frequency within East Asian control individuals in the gnomAD database is approximately 336-folds over the estimated maximal expected allele frequency for a pathogenic variant in TTN causing Cardiomyopathy phenotype (0.00063), strongly suggesting that the variant is a benign polymorphism found primarily in populations of East Asian origin. A ClinVar submission (evaluation after 2014) cites the variant as likely benign. Based on the evidence outlined above, the variant was classified as benign.

Athena Diagnostics
Classification: Benign. Last evaluated: 2018-12-18. Review status: criteria provided, single submitter. Criteria: Athena Diagnostics Criteria. Collection method: clinical testing. Allele origin: germline.

Illumina Laboratory Services, Illumina
Classification: Benign for Tibial muscular dystrophy. Last evaluated: 2018-01-12. Review status: criteria provided, single submitter. Criteria: ICSL Variant Classification Criteria 13 December 2019. Collection method: clinical testing. Allele origin: germline.
Comment: This variant was observed in the ICSL laboratory as part of a predisposition screen in an ostensibly healthy population. It had not been previously curated by ICSL or reported in the Human Gene Mutation Database (HGMD: prior to June 1st, 2018), and was therefore a candidate for classification through an automated scoring system. Utilizing variant allele frequency, disease prevalence and penetrance estimates, and inheritance mode, an automated score was calculated to assess if this variant is too frequent to cause the disease. Based on the score and internal cut-off values, a variant classified as benign is not then subjected to further curation. The score for this variant resulted in a classification of benign for this disease.

Illumina Laboratory Services, Illumina
Classification: Benign for Myopathy, myofibrillar, 9, with early respiratory failure. Last evaluated: 2018-01-12. Review status: criteria provided, single submitter. Criteria: ICSL Variant Classification Criteria 13 December 2019. Collection method: clinical testing. Allele origin: germline.
Comment: the same text as in the submission from Illumina Laboratory Services, Illumina above.

Illumina Laboratory Services, Illumina
Classification: Benign for Dilated cardiomyopathy 1G. Last evaluated: 2018-01-12. Review status: criteria provided, single submitter. Criteria: ICSL Variant Classification Criteria 13 December 2019. Collection method: clinical testing. Allele origin: germline.
Comment: the same text as in the submission from Illumina Laboratory Services, Illumina above.

Illumina Laboratory Services, Illumina
Classification: Benign for Early-onset myopathy with fatal cardiomyopathy. Last evaluated: 2018-01-12. Review status: criteria provided, single submitter. Criteria: ICSL Variant Classification Criteria 13 December 2019. Collection method: clinical testing. Allele origin: germline.
Comment: the same text as in the submission from Illumina Laboratory Services, Illumina above.

Illumina Laboratory Services, Illumina
Classification: Benign for Autosomal recessive limb-girdle muscular dystrophy type 2J. Last evaluated: 2018-01-12. Review status: criteria provided, single submitter. Criteria: ICSL Variant Classification Criteria 13 December 2019. Collection method: clinical testing. Allele origin: germline.
Comment: the same text as in the submission from Illumina Laboratory Services, Illumina above.

Mayo Clinic Laboratories, Mayo Clinic
Classification: Benign. Last evaluated: 2017-10-04. Review status: criteria provided, single submitter. Criteria: ACMG Guidelines, 2015. Collection method: clinical testing. Allele origin: germline. Observed: 114 variant alleles.

Genetic Services Laboratory, University of Chicago
Classification: Benign for AllHighlyPenetrant. Last evaluated: 2013-08-15. Review status: criteria provided, single submitter. Criteria: ACMG Guidelines, 2007. Collection method: clinical testing. Allele origin: germline.

GeneDx
Classification: Benign. Last evaluated: 2013-04-29. Review status: criteria provided, single submitter. Criteria: GeneDx Variant Classification (06012015). Collection method: clinical testing. Allele origin: germline. Affected: yes.
Comment: This variant is considered likely benign or benign based on one or more of the following criteria: it is a conservative change, it occurs at a poorly conserved position in the protein, it is predicted to be benign by multiple in silico algorithms, and/or has population frequency not consistent with disease.

Ambry Genetics
Classification: Benign for Cardiovascular phenotype. Last evaluated: 2013-01-16. Review status: criteria provided, single submitter. Criteria: Ambry Autosomal Dominant and X-Linked criteria (10/2015). Collection method: clinical testing. Allele origin: germline. Observed: 1 variant allele.

Laboratory for Molecular Medicine, Mass General Brigham Personalized Medicine
Classification: Benign. Last evaluated: 2012-04-26. Review status: criteria provided, single submitter. Criteria: LMM Criteria. Collection method: clinical testing. Allele origin: germline. Observed: 81 variant alleles.
Comment: Tyr7325Tyr in exon 85 of TTN: This variant is not expected to have clinical sign ificance because it does not alter an amino acid residue and is not located with in the splice consensus sequence. It has been identified in 2.3% (153/6594) of E uropean American chromosomes from a broad population by the NHLBI Exome Sequenci ng Project (rs2742329). Tyr7325Tyr in exon 85 of TTN (rs2742329; allele frequency = 2.3%, 153/6594) **

Breakthrough Genomics
Classification: Benign. Review status: criteria provided, single submitter. Criteria: ACMG Guidelines, 2015. Collection method: not provided. Allele origin: germline. Inheritance: Autosomal recessive inheritance. Affected: yes.

PreventionGenetics, part of Exact Sciences
Classification: Benign. Review status: criteria provided, single submitter. Criteria: ACMG Guidelines, 2015. Collection method: clinical testing. Allele origin: germline.

Clinical Genetics DNA and cytogenetics Diagnostics Lab, Erasmus MC, Erasmus Medical Center
Classification: Benign. Review status: no assertion criteria provided. Collection method: clinical testing. Allele origin: germline. Affected: yes. Study: VKGL Data-share Consensus. Not counted in ClinVar's aggregate classification.

Clinical Genetics, Academic Medical Center
Classification: Benign. Review status: no assertion criteria provided. Collection method: clinical testing. Allele origin: germline. Affected: yes. Study: VKGL Data-share Consensus. Not counted in ClinVar's aggregate classification.

Laboratory of Diagnostic Genome Analysis, Leiden University Medical Center (LUMC)
Classification: Benign. Review status: no assertion criteria provided. Collection method: clinical testing. Allele origin: germline. Affected: yes. Study: VKGL Data-share Consensus. Not counted in ClinVar's aggregate classification.

NM_001267550.2(TTN):c.25707T>C (p.Tyr8569=)

Gene: TTN (titin; minus strand). Cytogenetic location: 2q31.2.
Variant type: single nucleotide variant.
Coding change: c.25707T>C on transcript NM_001267550.2 (MANE Select); coding-DNA position 25707, T replaced by C.
Protein change: p.Tyr8569=; no amino-acid change (tyrosine 8569 retained).
Molecular consequence: synonymous variant. On other transcripts: intron variant (3).
Genome position (GRCh38, 1-based): chr2:178,715,707, A>G on the plus strand (T>C on the coding strand, the complement: TTN is on the minus strand). VCF-style: chr2-178715707-A-G. GRCh37 (hg19) VCF-style: chr2-179580434-A-G.
Other names: p.Y7325Y:TAT>TAC; p.Tyr7325=; c.24756T>C, p.Tyr8252= (NM_001256850.1); c.21975T>C, p.Tyr7325= (NM_133378.4); c.13282+22375T>C (NM_003319.4); c.13858+22375T>C (NM_133437.4); c.13657+22375T>C (NM_133432.3).
Identifiers: ClinVar variation 46766 (VCV000046766.35), dbSNP rs2742329, ClinGen allele CA282949.